The following is an entry in ClinVar:

NC_000023.10:g.(?_32305626)_(32381095_?)dup

Gene: DMD (dystrophin; minus strand). Cytogenetic location: Xp21.1.
Variant type: Duplication.
Identifiers: ClinVar variation 2424969 (VCV002424969.5).

ClinVar aggregate classification (germline): Pathogenic (1 of 4 stars; one submission).

Conditions:
Duchenne muscular dystrophy (DMD). Also called: Duchenne Muscular Dystrophy (DMD); MUSCULAR DYSTROPHY, PSEUDOHYPERTROPHIC PROGRESSIVE, DUCHENNE TYPE. Identifiers: Orphanet 98896, MedGen C0013264, MONDO:0010679, OMIM 310200.

Submission:

Labcorp Genetics (formerly Invitae), Labcorp
Classification: Pathogenic for Duchenne muscular dystrophy. Last evaluated: 2022-07-10. Review status: criteria provided, single submitter. Criteria: Invitae Variant Classification Sherloc (09022015). Collection method: clinical testing. Allele origin: germline.
Comment: For these reasons, this variant has been classified as Pathogenic. A similar copy number variant has been observed in individuals with Duchenne or Becker muscular dystrophy (PMID: 16917894, 31705731). This variant results in a copy number gain of the genomic region encompassing exon(s) 37-43 of the DMD gene. While the exact position of this variant cannot be determined from the data, sub-genic copy number gains are generally in tandem (PMID: 25640679). This variant is predicted to be out-of-frame, and may result in an absent or disrupted protein product. Loss-of-function variants in DMD are known to be pathogenic (PMID: 16770791, 25007885).

Literature cited by the submitters: PubMed 16917894; PubMed 31705731; PubMed 25640679; PubMed 16770791; PubMed 25007885.